The following is an entry in ClinVar:

NM_003764.4(STX11):c.228G>C (p.Met76Ile)

Gene: STX11 (syntaxin 11; plus strand). Cytogenetic location: 6q24.2.
Variant type: single nucleotide variant.
Coding change: c.228G>C on transcript NM_003764.4 (MANE Select); coding-DNA position 228, G replaced by C.
Protein change: p.Met76Ile; replaces methionine 76 with isoleucine.
Molecular consequence: missense variant.
Genome position (GRCh38, 1-based): chr6:144,186,855, G>C. VCF-style: chr6-144186855-G-C. GRCh37 (hg19) VCF-style: chr6-144507992-G-C.
Other names: p.Met76Ile; short protein forms M76I.
Identifiers: ClinVar variation 904510 (VCV000904510.11), dbSNP rs141487068, ClinGen allele CA4031656.

ClinVar aggregate classification (germline): Conflicting classifications of pathogenicity. Review status: criteria provided, conflicting classifications (1 of 4 stars). 5 submissions from 5 submitters: Uncertain significance (4); Likely benign (1). Last evaluated 2025-04-28.

Conditions:
Inborn genetic diseases. Identifiers: MedGen C0950123, MeSH D030342.
Familial hemophagocytic lymphohistiocytosis 4 (FHL4). Also called: STX11-Related Familial Hemophagocytic Lymphohistiocytosis (STX11-fHLH). Identifiers: Orphanet 540, MedGen C1863728, MONDO:0011336, OMIM 603552.

Allele frequency attached by ClinVar (database versions not stated): TOPMed 0.00005; ESP Exome Variant Server 0.00008; gnomAD exomes 0.00009 and 0.00022; 1000 Genomes Project 30x 0.00016; 1000 Genomes Project 0.00020; ExAC 0.00021; gnomAD 0.00024 and 0.00025.
gnomAD v4.1: 179 of 1,613,102 alleles (0.011%); highest among the groups gnomAD compares: Non-Finnish European, 0.0071%; no homozygotes.

Submissions (5):

Mayo Clinic Laboratories, Mayo Clinic
Classification: Likely benign. Last evaluated: 2025-04-28. Review status: criteria provided, single submitter. Criteria: ACMG Guidelines, 2015. Collection method: clinical testing. Allele origin: germline. Observed: 1 variant allele.
Comment: BS1, BP4_moderate

Ambry Genetics
Classification: Uncertain significance for Inborn genetic diseases. Last evaluated: 2023-09-26. Review status: criteria provided, single submitter. Criteria: Ambry Variant Classification Scheme 2023. Collection method: clinical testing. Allele origin: germline.

Labcorp Genetics (formerly Invitae), Labcorp
Classification: Uncertain significance for Familial hemophagocytic lymphohistiocytosis 4. Last evaluated: 2022-11-03. Review status: criteria provided, single submitter. Criteria: Invitae Variant Classification Sherloc (09022015). Collection method: clinical testing. Allele origin: germline.
Comment: This sequence change replaces methionine, which is neutral and non-polar, with isoleucine, which is neutral and non-polar, at codon 76 of the STX11 protein (p.Met76Ile). This variant is present in population databases (rs141487068, gnomAD 0.1%). This variant has not been reported in the literature in individuals affected with STX11-related conditions. ClinVar contains an entry for this variant (Variation ID: 904510). Advanced modeling of protein sequence and biophysical properties (such as structural, functional, and spatial information, amino acid conservation, physicochemical variation, residue mobility, and thermodynamic stability) performed at Invitae indicates that this missense variant is not expected to disrupt STX11 protein function. In summary, the available evidence is currently insufficient to determine the role of this variant in disease. Therefore, it has been classified as a Variant of Uncertain Significance.

Fulgent Genetics
Classification: Uncertain significance for Familial hemophagocytic lymphohistiocytosis 4. Last evaluated: 2021-10-14. Review status: criteria provided, single submitter. Criteria: ACMG Guidelines, 2015. Collection method: clinical testing. Allele origin: unknown.

Illumina Laboratory Services, Illumina
Classification: Uncertain significance for Familial hemophagocytic lymphohistiocytosis 4. Last evaluated: 2018-01-13. Review status: criteria provided, single submitter. Criteria: ICSL Variant Classification Criteria 13 December 2019. Collection method: clinical testing. Allele origin: germline.